The following is an entry in ClinVar:

ClinVar aggregate classification (germline): Uncertain significance. Review status: criteria provided, multiple submitters, no conflicts (2 of 4 stars). 2 submissions from 2 submitters: Uncertain significance (2). Last evaluated 2025-10-03.

Conditions:
Hypercalcemia, infantile, 1 (HCINF1). Identifiers: Orphanet 300547, MedGen CN031131, MONDO:0020739, OMIM 143880.

gnomAD v4.1: 69 of 1,601,806 alleles (0.0043%); highest among the groups gnomAD compares: Non-Finnish European, 0.0058%; no homozygotes.

Submissions (2):

Rare Kidney Stone Consortium and the Mayo Clinic Hyperoxaluria Center, Mayo Clinic
Classification: Uncertain significance for Hypercalcemia, infantile, 1. Last evaluated: 2025-10-03. Review status: criteria provided, single submitter. Criteria: ACMG Guidelines, 2015. Collection method: research. Allele origin: germline. Observed: 1 variant allele.
Comment: ACMG:PM2, PP3

Labcorp Genetics (formerly Invitae), Labcorp
Classification: Uncertain significance. Last evaluated: 2022-09-13. Review status: criteria provided, single submitter. Criteria: Invitae Variant Classification Sherloc (09022015). Collection method: clinical testing. Allele origin: germline.
Comment: This sequence change falls in intron 1 of the CYP24A1 gene. It does not directly change the encoded amino acid sequence of the CYP24A1 protein. This variant is present in population databases (no rsID available, gnomAD 0.002%). This variant has not been reported in the literature in individuals affected with CYP24A1-related conditions. ClinVar contains an entry for this variant (Variation ID: 1418635). Algorithms developed to predict the effect of sequence changes on RNA splicing suggest that this variant may create or strengthen a splice site. In summary, the available evidence is currently insufficient to determine the role of this variant in disease. Therefore, it has been classified as a Variant of Uncertain Significance.

Literature cited by the submitters: PubMed 40794449 (cited by Rare Kidney Stone Consortium and the Mayo Clinic Hyperoxaluria Center, Mayo Clinic).

NM_000782.5(CYP24A1):c.259-5T>A

Gene: CYP24A1 (cytochrome P450 family 24 subfamily A member 1; minus strand). Cytogenetic location: 20q13.2.
Variant type: single nucleotide variant.
Coding change: c.259-5T>A on transcript NM_000782.5 (MANE Select); 5 bases into the intron before coding-DNA position 259, T replaced by A.
Molecular consequence: intron variant.
Genome position (GRCh38, 1-based): chr20:54,173,104, A>T on the plus strand (T>A on the coding strand, the complement: CYP24A1 is on the minus strand). VCF-style: chr20-54173104-A-T. GRCh37 (hg19) VCF-style: chr20-52789643-A-T.
Other names: c.259-5T>A (NM_001128915.2).
Identifiers: ClinVar variation 1418635 (VCV001418635.4), dbSNP rs372360343, ClinGen allele CA636173033.